The following is an entry in ClinVar:

NM_001105244.2(PTPRM):c.1980C>T (p.Tyr660=)

Gene: PTPRM (protein tyrosine phosphatase receptor type M; plus strand). Cytogenetic location: 18p11.23.
Variant type: single nucleotide variant.
Coding change: c.1980C>T on transcript NM_001105244.2 (MANE Select); coding-DNA position 1980, C replaced by T.
Protein change: p.Tyr660=; no amino-acid change (tyrosine 660 retained).
Molecular consequence: synonymous variant.
Genome position (GRCh38, 1-based): chr18:8,113,609, C>T. VCF-style: chr18-8113609-C-T. GRCh37 (hg19) VCF-style: chr18-8113607-C-T.
Other names: c.1341C>T, p.Tyr447= (NM_001378142.1, NM_001378143.1, NM_001378144.1 and 3 more transcripts); c.1980C>T, p.Tyr660= (NM_002845.4).
Identifiers: ClinVar variation 3041277 (VCV003041277.2), dbSNP rs34831755, ClinGen allele CA8884243.

ClinVar aggregate classification (germline): Benign (0 of 4 stars; one submission).

Conditions:
PTPRM-related disorder. Also called: PTPRM-related condition.

Allele frequency attached by ClinVar (database versions not stated): gnomAD exomes 0.00088; ExAC 0.00273; ESP Exome Variant Server 0.00784; gnomAD 0.00816; TOPMed 0.00928; 1000 Genomes Project 30x 0.01187; 1000 Genomes Project 0.01238.
gnomAD v4.1: 2,562 of 1,614,158 alleles (0.16%); highest among the groups gnomAD compares: African/African-American, 2.9%; 35 homozygotes.

Submission:

PreventionGenetics, part of Exact Sciences
Classification: Benign for PTPRM-related condition. Last evaluated: 2019-03-08. Review status: no assertion criteria provided. Collection method: clinical testing. Allele origin: germline.
Comment: This variant is classified as benign based on ACMG/AMP sequence variant interpretation guidelines (Richards et al. 2015 PMID: 25741868, with internal and published modifications).